The following is an entry in ClinVar:

ClinVar aggregate classification (germline): Uncertain significance (1 of 4 stars; one submission).

Conditions:
POLD1-related polyposis and colorectal cancer syndrome (CRCS10). Also called: Colorectal cancer 10; COLORECTAL CANCER, SUSCEPTIBILITY TO, ON CHROMOSOME 19q; Colorectal cancer, susceptibility to, 10. Identifiers: Orphanet 220460, MedGen C2675481, MONDO:0012953, OMIM 612591.

Submission:

Labcorp Genetics (formerly Invitae), Labcorp
Classification: Uncertain significance for POLD1-related polyposis and colorectal cancer syndrome. Last evaluated: 2021-06-25. Review status: criteria provided, single submitter. Criteria: Invitae Variant Classification Sherloc (09022015). Collection method: clinical testing. Allele origin: germline.
Comment: Missense variants that disrupt the 3'-5' exonuclease (proof-reading) activity of the POLD1 protein, while not abolishing its polymerase enzyme activity, are associated with an increased risk for colonic adenomatous polyps and colon cancer (PMID: 23263490, 23447401). Loss-of-function truncating variants, which result in an absent or severely disrupted POLD1 protein, are therefore unlikely to be associated with disease. Without further clinical and genetic evidence, however, this variant has been classified as a Variant of Uncertain Significance. The current clinical and genetic evidence is not sufficient to establish whether loss-of-function variants in POLD1 cause disease. This variant has not been reported in the literature in individuals with POLD1-related conditions. This variant is not present in population databases (ExAC no frequency). This sequence change creates a premature translational stop signal (p.Glu579*) in the POLD1 gene. It is expected to result in an absent or disrupted protein product.

Literature cited by the submitters: PubMed 23263490; PubMed 23447401.

NM_002691.4(POLD1):c.1735G>T (p.Glu579Ter)

Gene: POLD1 (DNA polymerase delta 1, catalytic subunit; plus strand). Cytogenetic location: 19q13.33.
Variant type: single nucleotide variant.
Coding change: c.1735G>T on transcript NM_002691.4 (MANE Select); coding-DNA position 1735, G replaced by T.
Protein change: p.Glu579Ter; replaces glutamic acid 579 with a stop codon.
Molecular consequence: nonsense. On other transcripts: non-coding transcript variant (1).
Genome position (GRCh38, 1-based): chr19:50,407,375, G>T. VCF-style: chr19-50407375-G-T. GRCh37 (hg19) VCF-style: chr19-50910632-G-T.
Other names: c.1735G>T, p.Glu579Ter (NM_001256849.1, NM_001308632.1); short protein forms E579*.
Identifiers: ClinVar variation 946267 (VCV000946267.9), dbSNP rs1354117345, ClinGen allele CA406981266.